The following is an entry in ClinVar:

ClinVar aggregate classification (germline): Uncertain significance (1 of 4 stars; one submission).

Conditions:
Combined malonic and methylmalonic acidemia. Identifiers: Orphanet 289504, MedGen C3280314, MONDO:0013661, OMIM 614265.

Allele frequency attached by ClinVar (database versions not stated): ExAC 0.00001.
gnomAD v4.1: 1 of 1,614,144 alleles (0.000062%); highest among the groups gnomAD compares: Admixed American, 0.0017%; no homozygotes.

Submission:

Labcorp Genetics (formerly Invitae), Labcorp
Classification: Uncertain significance for Combined malonic and methylmalonic acidemia. Last evaluated: 2022-07-14. Review status: criteria provided, single submitter. Criteria: Invitae Variant Classification Sherloc (09022015). Collection method: clinical testing. Allele origin: germline.
Comment: This sequence change replaces arginine, which is basic and polar, with serine, which is neutral and polar, at codon 318 of the ACSF3 protein (p.Arg318Ser). This variant is present in population databases (rs745453668, gnomAD 0.003%). This variant has not been reported in the literature in individuals affected with ACSF3-related conditions. Algorithms developed to predict the effect of missense changes on protein structure and function are either unavailable or do not agree on the potential impact of this missense change (SIFT: "Tolerated"; PolyPhen-2: "Probably Damaging"; Align-GVGD: "Class C0"). In summary, the available evidence is currently insufficient to determine the role of this variant in disease. Therefore, it has been classified as a Variant of Uncertain Significance.

NM_001243279.3(ACSF3):c.952C>A (p.Arg318Ser)

Gene: ACSF3 (acyl-CoA synthetase family member 3; plus strand). Cytogenetic location: 16q24.3.
Variant type: single nucleotide variant.
Coding change: c.952C>A on transcript NM_001243279.3 (MANE Select); coding-DNA position 952, C replaced by A.
Protein change: p.Arg318Ser; replaces arginine 318 with serine.
Molecular consequence: missense variant. On other transcripts: non-coding transcript variant (3).
Genome position (GRCh38, 1-based): chr16:89,112,221, C>A. VCF-style: chr16-89112221-C-A. GRCh37 (hg19) VCF-style: chr16-89178629-C-A.
Other names: c.952C>A, p.Arg318Ser (NM_001127214.4, NM_174917.5); c.157C>A, p.Arg53Ser (NM_001284316.2); short protein forms R318S, R53S.
Identifiers: ClinVar variation 2174131 (VCV002174131.1), dbSNP rs745453668, ClinGen allele CA8237892.
Genomic context (GRCh38, chr16:89,112,221, plus strand): 5'-ACCAAGCTGATGGAGTACTACGACAGGCATTTTACCCAGCCGCACGCCCAGGATTTCTTG[C>A]GTGCAGTTTGTGAAGAAAAAATTAGGTAAGTGAAAAGAGCCCACTTTCTCGTTCAGAAAG-3'
Protein context (NP_001230208.1, residues 308-328): FTQPHAQDFL[Arg318Ser]AVCEEKIRLM